The following is an entry in ClinVar:

ClinVar aggregate classification (germline): Conflicting classifications of pathogenicity. Review status: criteria provided, conflicting classifications (1 of 4 stars). 4 submissions from 4 submitters: Uncertain significance (3); Likely benign (1). Last evaluated 2025-08-06.

Conditions:
BAP1-related tumor predisposition syndrome (TPDS1). Also called: Tumor susceptibility linked to germline BAP1 mutations; BAP1 tumor predisposition syndrome; COMMON Syndrome; TUMOR PREDISPOSITION SYNDROME 1. Identifiers: Orphanet 289539, MedGen C3280492, MONDO:0013692, OMIM 614327.
Hereditary cancer-predisposing syndrome. Also called: Neoplastic Syndromes, Hereditary; Tumor predisposition; Hereditary Cancer Syndrome; Hereditary neoplastic syndrome. Identifiers: Orphanet 140162, MedGen C0027672, MeSH D009386, MONDO:0015356.

Allele frequency attached by ClinVar (database versions not stated): gnomAD 0.00001; TOPMed 0.00001; gnomAD exomes 0.00002; ExAC 0.00003.
gnomAD v4.1: 15 of 1,613,912 alleles (0.00093%); highest among the groups gnomAD compares: East Asian, 0.016%; no homozygotes.

Submissions (4):

Color Diagnostics, LLC DBA Color Health
Classification: Uncertain significance for Hereditary cancer-predisposing syndrome. Last evaluated: 2025-08-06. Review status: criteria provided, single submitter. Criteria: ACMG Guidelines, 2015. Collection method: clinical testing. Allele origin: germline.
Comment: This missense variant replaces arginine with cysteine at codon 551 of the BAP1 protein. Computational prediction is inconclusive regarding the impact of this variant on protein structure and function. To our knowledge, functional studies have not been reported for this variant. This variant has been reported in an individual affected with breast/ovarian cancer (PMID: 32068069). This variant has been identified in 4/251078 chromosomes in the general population by the Genome Aggregation Database (gnomAD). The available evidence is insufficient to determine the role of this variant in disease conclusively. Therefore, this variant is classified as a Variant of Uncertain Significance.

Labcorp Genetics (formerly Invitae), Labcorp
Classification: Uncertain significance for BAP1-related tumor predisposition syndrome. Last evaluated: 2024-12-15. Review status: criteria provided, single submitter. Criteria: Invitae Variant Classification Sherloc (09022015). Collection method: clinical testing. Allele origin: germline.
Comment: This sequence change replaces arginine, which is basic and polar, with cysteine, which is neutral and slightly polar, at codon 551 of the BAP1 protein (p.Arg551Cys). This variant is present in population databases (rs755664216, gnomAD 0.01%). This missense change has been observed in individual(s) with clinical features of hereditary breast and ovarian cancer syndrome (PMID: 32068069). ClinVar contains an entry for this variant (Variation ID: 485254). Invitae Evidence Modeling of protein sequence and biophysical properties (such as structural, functional, and spatial information, amino acid conservation, physicochemical variation, residue mobility, and thermodynamic stability) has been performed for this missense variant. However, the output from this modeling did not meet the statistical confidence thresholds required to predict the impact of this variant on BAP1 protein function. In summary, the available evidence is currently insufficient to determine the role of this variant in disease. Therefore, it has been classified as a Variant of Uncertain Significance.

Ambry Genetics
Classification: Likely benign for Hereditary cancer-predisposing syndrome. Last evaluated: 2023-05-11. Review status: criteria provided, single submitter. Criteria: Ambry Variant Classification Scheme 2023. Collection method: clinical testing. Allele origin: germline.

GeneDx
Classification: Uncertain significance. Last evaluated: 2022-04-21. Review status: criteria provided, single submitter. Criteria: GeneDx Variant Classification Process June 2021. Collection method: clinical testing. Allele origin: germline. Affected: yes.
Comment: Not observed at significant frequency in large population cohorts (gnomAD); In silico analysis supports that this missense variant has a deleterious effect on protein structure/function; Has not been previously published as pathogenic or benign to our knowledge; This variant is associated with the following publications: (PMID: 29122566)

Literature cited by the submitters: PubMed 32068069 (cited by Color Diagnostics, LLC DBA Color Health and Labcorp Genetics (formerly Invitae), Labcorp).

NM_004656.4(BAP1):c.1651C>T (p.Arg551Cys)

Gene: BAP1 (BRCA1 associated deubiquitinase 1; minus strand). Cytogenetic location: 3p21.1.
Variant type: single nucleotide variant.
Coding change: c.1651C>T on transcript NM_004656.4 (MANE Select); coding-DNA position 1651, C replaced by T.
Protein change: p.Arg551Cys; replaces arginine 551 with cysteine.
Molecular consequence: missense variant.
Genome position (GRCh38, 1-based): chr3:52,403,494, G>A on the plus strand (C>T on the coding strand, the complement: BAP1 is on the minus strand). VCF-style: chr3-52403494-G-A. GRCh37 (hg19) VCF-style: chr3-52437510-G-A.
Other names: c.1651C>T (LRG_529t1); short protein forms R551C.
Identifiers: ClinVar variation 485254 (VCV000485254.19), dbSNP rs755664216, ClinGen allele CA2436763.